The following is an entry in ClinVar:

ClinVar aggregate classification (germline): Benign/Likely benign. Review status: criteria provided, multiple submitters, no conflicts (2 of 4 stars). 2 submissions from 2 submitters: Benign (1); Likely benign (1). Last evaluated 2025-02-21.

Conditions:
Breast-ovarian cancer, familial, susceptibility to, 4. Identifiers: Orphanet 145, MedGen C3280345, MONDO:0013669, OMIM 614291.
Hereditary cancer-predisposing syndrome. Also called: Hereditary Cancer Syndrome; Neoplastic Syndromes, Hereditary; Tumor predisposition; Hereditary neoplastic syndrome. Identifiers: Orphanet 140162, MedGen C0027672, MeSH D009386, MONDO:0015356.

Allele frequency attached by ClinVar (database versions not stated): gnomAD exomes below 0.00001.
gnomAD v4.1: 2 of 1,614,078 alleles (0.00012%); highest among the groups gnomAD compares: South Asian, 0.0011%; no homozygotes.

Submissions (2):

Myriad Genetics, Inc.
Classification: Benign for Breast-ovarian cancer, familial, susceptibility to, 4. Last evaluated: 2025-02-21. Review status: criteria provided, single submitter. Criteria: Myriad Autosomal Dominant, Autosomal Recessive and X-Linked Classification Criteria (2023). Collection method: clinical testing. Allele origin: unknown.
Comment: This variant is considered benign. This variant is a silent/synonymous amino acid change and it is not expected to impact splicing.

Ambry Genetics
Classification: Likely benign for Hereditary cancer-predisposing syndrome. Last evaluated: 2016-10-29. Review status: criteria provided, single submitter. Criteria: Ambry Variant Classification Scheme 2023. Collection method: clinical testing. Allele origin: germline.

NM_002878.4(RAD51D):c.414T>C (p.Asn138=)

Genes: RAD51D (RAD51 paralog D; minus strand), RAD51L3-RFFL (RAD51L3-RFFL readthrough; minus strand). Cytogenetic location: 17q12.
Variant type: single nucleotide variant.
Coding change: c.414T>C on transcript NM_002878.4 (MANE Select); coding-DNA position 414, T replaced by C.
Protein change: p.Asn138=; no amino-acid change (asparagine 138 retained).
Molecular consequence: synonymous variant. On other transcripts: non-coding transcript variant (1), intron variant (1).
Genome position (GRCh38, 1-based): chr17:35,107,054, A>G on the plus strand (T>C on the coding strand, the complement: RAD51D is on the minus strand). VCF-style: chr17-35107054-A-G. GRCh37 (hg19) VCF-style: chr17-33434073-A-G.
Other names: c.474T>C, p.Asn158= (NM_001142571.2); c.145-573T>C (NM_133629.3).
Identifiers: ClinVar variation 480541 (VCV000480541.6), dbSNP rs1555568320, ClinGen allele CA499731712.